The following is an entry in ClinVar:

ClinVar aggregate classification (germline): Likely benign. Review status: criteria provided, multiple submitters, no conflicts (2 of 4 stars). 3 submissions from 3 submitters: Likely benign (3). Last evaluated 2025-12-30.

Conditions:
Severe combined immunodeficiency due to DNA-PKcs deficiency. Also called: Immunodeficiency 26 with or without neurologic abnormalities; IMMUNODEFICIENCY 26 WITH NEUROLOGIC ABNORMALITIES. Identifiers: Orphanet 317425, MedGen C4014833, MONDO:0014423, OMIM 615966.

Allele frequency attached by ClinVar (database versions not stated): gnomAD exomes 0.00001 and 0.00004; gnomAD 0.00003; ExAC 0.00005; TOPMed 0.00005.
gnomAD v4.1: 25 of 1,598,036 alleles (0.0016%); highest among the groups gnomAD compares: Middle Eastern, 0.034%; no homozygotes.

Submissions (3):

Labcorp Genetics (formerly Invitae), Labcorp
Classification: Likely benign for Severe combined immunodeficiency due to DNA-PKcs deficiency. Last evaluated: 2025-12-30. Review status: criteria provided, single submitter. Criteria: Invitae Variant Classification Sherloc (09022015). Collection method: clinical testing. Allele origin: germline.

CeGaT Center for Human Genetics Tuebingen
Classification: Likely benign. Last evaluated: 2024-12-01. Review status: criteria provided, single submitter. Criteria: CeGaT Center For Human Genetics Tuebingen Variant Classification Criteria Version 2. Collection method: clinical testing. Allele origin: germline. Affected: yes. Observed: 1 variant allele.
Comment: PRKDC: BP4, BP7

Breakthrough Genomics
Classification: Likely benign. Review status: criteria provided, single submitter. Criteria: ACMG Guidelines, 2015. Collection method: not provided. Allele origin: germline. Inheritance: Autosomal recessive inheritance. Affected: yes.

NM_006904.7(PRKDC):c.7935A>G (p.Thr2645=)

Gene: PRKDC (protein kinase, DNA-activated, catalytic subunit; minus strand). Cytogenetic location: 8q11.21.
Variant type: single nucleotide variant.
Coding change: c.7935A>G on transcript NM_006904.7 (MANE Select); coding-DNA position 7935, A replaced by G.
Protein change: p.Thr2645=; no amino-acid change (threonine 2645 retained).
Molecular consequence: synonymous variant.
Genome position (GRCh38, 1-based): chr8:47,836,354, T>C on the plus strand (A>G on the coding strand, the complement: PRKDC is on the minus strand). VCF-style: chr8-47836354-T-C. GRCh37 (hg19) VCF-style: chr8-48748915-T-C.
Other names: c.7935A>G, p.Thr2645= (NM_001081640.2).
Identifiers: ClinVar variation 731544 (VCV000731544.24), dbSNP rs767431572, ClinGen allele CA4739986.